The following is an entry in ClinVar:

NM_000256.3(MYBPC3):c.3303_3304del (p.Val1102fs)

Gene: MYBPC3 (myosin binding protein C3; minus strand). Cytogenetic location: 11p11.2.
Variant type: Deletion.
Coding change: c.3303_3304del on transcript NM_000256.3 (MANE Select); coding-DNA positions 3303 to 3304, 2 bases deleted (AG; older notation c.3303_3304delAG).
Protein change: p.Val1102fs; shifts the reading frame from valine 1102.
Molecular consequence: frameshift variant.
Genome position (GRCh38, 1-based): chr11:47,333,220-47,333,221, CT deleted on the plus strand (AG on the coding strand, the reverse complement: MYBPC3 is on the minus strand). VCF-style (leftmost placement, unchanged base first): chr11-47333219-ACT-A. GRCh37 (hg19) VCF-style: chr11-47354770-ACT-A.
Other names: short protein forms V1102fs.
Identifiers: ClinVar variation 2773706 (VCV002773706.2), dbSNP rs2495739957, ClinGen allele CA2697548539.

ClinVar aggregate classification (germline): Pathogenic (1 of 4 stars; one submission).

Conditions:
Cardiomyopathy (CMYO). Also called: Cardiomyopathies. Identifiers: Orphanet 167848, MedGen C0878544, MONDO:0004994, HP:0001638. Inheritance: Various modes of inheritance.

Submission:

Color Diagnostics, LLC DBA Color Health
Classification: Pathogenic for Cardiomyopathy. Last evaluated: 2022-05-06. Review status: criteria provided, single submitter. Criteria: ACMG Guidelines, 2015. Collection method: clinical testing. Allele origin: germline.
Comment: This variant deletes 2 nucleotides in exon 30 of the MYBPC3 gene, creating a frameshift and premature translation stop signal. This variant is expected to result in an absent or non-functional protein product. To our knowledge, this variant has not been reported in individuals affected with cardiovascular disorders in the literature. This variant has not been identified in the general population by the Genome Aggregation Database (gnomAD). Loss of MYBPC3 function is a known mechanism of disease. Based on the available evidence, this variant is classified as Pathogenic.